The following is an entry in ClinVar:

NM_013275.6(ANKRD11):c.7769G>A (p.Trp2590Ter)

Gene: ANKRD11 (ankyrin repeat domain 11; minus strand). Cytogenetic location: 16q24.3.
Variant type: single nucleotide variant.
Coding change: c.7769G>A on transcript NM_013275.6 (MANE Select); coding-DNA position 7769, G replaced by A.
Protein change: p.Trp2590Ter; replaces tryptophan 2590 with a stop codon.
Molecular consequence: nonsense.
Genome position (GRCh38, 1-based): chr16:89,270,854, C>T on the plus strand (G>A on the coding strand, the complement: ANKRD11 is on the minus strand). VCF-style: chr16-89270854-C-T. GRCh37 (hg19) VCF-style: chr16-89337262-C-T.
Other names: c.7769G>A, p.Trp2590Ter (NM_001256183.2, NM_001256182.2); short protein forms W2590*.
Identifiers: ClinVar variation 3766076 (VCV003766076.2).

ClinVar aggregate classification (germline): Pathogenic (1 of 4 stars; one submission).

Submission:

GeneDx
Classification: Pathogenic. Last evaluated: 2026-10-21. Review status: criteria provided, single submitter. Criteria: GeneDx Variant Classification Process June 2021. Collection method: clinical testing. Allele origin: germline.
Comment: Nonsense variant predicted to result in protein truncation, as the last 74 amino acids are lost, and other loss-of-function variants have been reported downstream in HGMD; Not observed at significant frequency in large population cohorts (gnomAD); Has not been previously published as pathogenic or benign to our knowledge